The following is an entry in ClinVar:

NM_005732.4(RAD50):c.2305G>A (p.Glu769Lys)

Gene: RAD50 (RAD50 double strand break repair protein; plus strand). Cytogenetic location: 5q31.1.
Variant type: single nucleotide variant.
Coding change: c.2305G>A on transcript NM_005732.4 (MANE Select); coding-DNA position 2305, G replaced by A.
Protein change: p.Glu769Lys; replaces glutamic acid 769 with lysine.
Molecular consequence: missense variant.
Genome position (GRCh38, 1-based): chr5:132,603,397, G>A. VCF-style: chr5-132603397-G-A. GRCh37 (hg19) VCF-style: chr5-131939089-G-A.
Other names: short protein forms E769K.
Identifiers: ClinVar variation 482133 (VCV000482133.15), dbSNP rs1554099101, ClinGen allele CA360954495.

ClinVar aggregate classification (germline): Uncertain significance. Review status: criteria provided, multiple submitters, no conflicts (2 of 4 stars). 2 submissions from 2 submitters: Uncertain significance (2). Last evaluated 2024-03-17.

Conditions:
Hereditary cancer-predisposing syndrome. Also called: Neoplastic Syndromes, Hereditary; Tumor predisposition; Hereditary Cancer Syndrome; Hereditary neoplastic syndrome. Identifiers: Orphanet 140162, MedGen C0027672, MeSH D009386, MONDO:0015356.

Allele frequency attached by ClinVar (database versions not stated): gnomAD exomes below 0.00001; TOPMed 0.00001.
gnomAD v4.1: 1 of 1,613,832 alleles (0.000062%); highest among the groups gnomAD compares: Non-Finnish European, 0.000085%; no homozygotes.

Submissions (2):

Ambry Genetics
Classification: Uncertain significance for Hereditary cancer-predisposing syndrome. Last evaluated: 2024-03-17. Review status: criteria provided, single submitter. Criteria: Ambry Variant Classification Scheme 2023. Collection method: clinical testing. Allele origin: germline.
Comment: The p.E769K variant (also known as c.2305G>A), located in coding exon 14 of the RAD50 gene, results from a G to A substitution at nucleotide position 2305. The glutamic acid at codon 769 is replaced by lysine, an amino acid with similar properties. This amino acid position is highly conserved in available vertebrate species. In addition, this alteration is predicted to be deleterious by in silico analysis. Since supporting evidence is limited at this time, the clinical significance of this alteration remains unclear.

Labcorp Genetics (formerly Invitae), Labcorp
Classification: Uncertain significance for Hereditary cancer-predisposing syndrome. Last evaluated: 2021-02-14. Review status: criteria provided, single submitter. Criteria: Invitae Variant Classification Sherloc (09022015). Collection method: clinical testing. Allele origin: germline.
Comment: In summary, the available evidence is currently insufficient to determine the role of this variant in disease. Therefore, it has been classified as a Variant of Uncertain Significance. Algorithms developed to predict the effect of missense changes on protein structure and function are either unavailable or do not agree on the potential impact of this missense change (SIFT: "Tolerated"; PolyPhen-2: "Possibly Damaging"; Align-GVGD: "Class C0"). This variant has not been reported in the literature in individuals with RAD50-related conditions. ClinVar contains an entry for this variant (Variation ID: 482133). This variant is not present in population databases (ExAC no frequency). This sequence change replaces glutamic acid with lysine at codon 769 of the RAD50 protein (p.Glu769Lys). The glutamic acid residue is moderately conserved and there is a small physicochemical difference between glutamic acid and lysine.